The following is an entry in ClinVar:

ClinVar aggregate classification (germline): Uncertain significance (1 of 4 stars; one submission).

Submission:

GeneDx
Classification: Uncertain significance. Last evaluated: 2024-10-22. Review status: criteria provided, single submitter. Criteria: GeneDx Variant Classification Process June 2021. Collection method: clinical testing. Allele origin: germline. Affected: yes.
Comment: Not observed at significant frequency in large population cohorts (gnomAD); In silico analysis supports that this missense variant has a deleterious effect on protein structure/function; Has not been previously published as pathogenic or benign to our knowledge; This variant is associated with the following publications: (PMID: 18199528)

NM_000038.6(APC):c.2165G>T (p.Ser722Ile)

Gene: APC (APC regulator of WNT signaling pathway; plus strand). Cytogenetic location: 5q22.2.
Variant type: single nucleotide variant.
Coding change: c.2165G>T on transcript NM_000038.6 (MANE Select); coding-DNA position 2165, G replaced by T.
Protein change: p.Ser722Ile; replaces serine 722 with isoleucine.
Molecular consequence: missense variant. On other transcripts: non-coding transcript variant (2).
Genome position (GRCh38, 1-based): chr5:112,837,759, G>T. VCF-style: chr5-112837759-G-T. GRCh37 (hg19) VCF-style: chr5-112173456-G-T.
Other names: c.2165G>T, p.Ser722Ile (NM_001127510.3, NM_001354895.2, NM_001407450.1); c.2111G>T, p.Ser704Ile (NM_001127511.3); c.2219G>T, p.Ser740Ile (NM_001354896.2, NM_001407447.1, NM_001407448.1 and 1 more transcripts); c.2195G>T, p.Ser732Ile (NM_001354897.2); c.2090G>T, p.Ser697Ile (NM_001354898.2); c.2081G>T, p.Ser694Ile (NM_001354899.2); c.2042G>T, p.Ser681Ile (NM_001354900.2); c.1988G>T, p.Ser663Ile (NM_001354901.2, NM_001407453.1); and 11 more; short protein forms S338I, S439I, S562I, S593I, S596I, S621I, S631I, S639I.
Identifiers: ClinVar variation 3893531 (VCV003893531.1).
Genomic context (GRCh38, chr5:112,837,759, plus strand): 5'-GGGCAGTTAGCATGCTCAAGAACCTCATTCATTCAAAGCACAAAATGATTGCTATGGGAA[G>T]TGCTGCAGCTTTAAGGAATCTCATGGCAAATAGGCCTGCGAAGTACAAGGATGCCAATAT-3'
Protein context (NP_000029.2, residues 712-732): HSKHKMIAMG[Ser722Ile]AAALRNLMAN